The following is an entry in ClinVar:

ClinVar aggregate classification (germline): Uncertain significance (1 of 4 stars; one submission).

Conditions:
Inborn genetic diseases. Identifiers: MedGen C0950123, MeSH D030342.

Submission:

Ambry Genetics
Classification: Uncertain significance for Inborn genetic diseases. Last evaluated: 2025-11-09. Review status: criteria provided, single submitter. Criteria: Ambry Variant Classification Scheme 2023. Collection method: clinical testing. Allele origin: germline.
Comment: The p.N488S variant (also known as c.1463A>G), located in coding exon 1 of the SAMD9L gene, results from an A to G substitution at nucleotide position 1463. The asparagine at codon 488 is replaced by serine, an amino acid with highly similar properties. This amino acid position is conserved. In addition, this alteration is predicted to be tolerated by in silico analysis. Based on the available evidence, the clinical significance of this variant remains unclear.

NM_152703.5(SAMD9L):c.1463A>G (p.Asn488Ser)

Gene: SAMD9L (sterile alpha motif domain containing 9 like; minus strand). Cytogenetic location: 7q21.2.
Variant type: single nucleotide variant.
Coding change: c.1463A>G on transcript NM_152703.5 (MANE Select); coding-DNA position 1463, A replaced by G.
Protein change: p.Asn488Ser; replaces asparagine 488 with serine.
Molecular consequence: missense variant.
Genome position (GRCh38, 1-based): chr7:93,134,509, T>C on the plus strand (A>G on the coding strand, the complement: SAMD9L is on the minus strand). VCF-style: chr7-93134509-T-C. GRCh37 (hg19) VCF-style: chr7-92763822-T-C.
Other names: c.1463A>G, p.Asn488Ser (NM_001303496.3, NM_001303497.3, NM_001303498.3 and 5 more transcripts); short protein forms N488S.
Identifiers: ClinVar variation 4630101 (VCV004630101.1).